The following is an entry in ClinVar:

ClinVar aggregate classification (germline): Uncertain significance (1 of 4 stars; one submission).

Conditions:
Cardiovascular phenotype. Identifiers: MedGen CN230736.

gnomAD v4.1: 6 of 1,605,786 alleles (0.00037%); highest among the groups gnomAD compares: Middle Eastern, 0.017%; no homozygotes.

Submission:

Ambry Genetics
Classification: Uncertain significance for Cardiovascular phenotype. Last evaluated: 2024-08-11. Review status: criteria provided, single submitter. Criteria: Ambry Variant Classification Scheme 2023. Collection method: clinical testing. Allele origin: germline.
Comment: The p.G368S variant (also known as c.1102G>A), located in coding exon 6 of the EPHB4 gene, results from a G to A substitution at nucleotide position 1102. The glycine at codon 368 is replaced by serine, an amino acid with similar properties. This amino acid position is conserved. In addition, this alteration is predicted to be tolerated by in silico analysis. Based on the available evidence, the clinical significance of this variant remains unclear.

NM_004444.5(EPHB4):c.1102G>A (p.Gly368Ser)

Gene: EPHB4 (EPH receptor B4; minus strand). Cytogenetic location: 7q22.1.
Variant type: single nucleotide variant.
Coding change: c.1102G>A on transcript NM_004444.5 (MANE Select); coding-DNA position 1102, G replaced by A.
Protein change: p.Gly368Ser; replaces glycine 368 with serine.
Molecular consequence: missense variant.
Genome position (GRCh38, 1-based): chr7:100,819,752, C>T on the plus strand (G>A on the coding strand, the complement: EPHB4 is on the minus strand). VCF-style: chr7-100819752-C-T. GRCh37 (hg19) VCF-style: chr7-100417374-C-T.
Other names: short protein forms G368S.
Identifiers: ClinVar variation 3509384 (VCV003509384.1).